The following is an entry in ClinVar:

ClinVar aggregate classification (germline): Uncertain significance. Review status: criteria provided, multiple submitters, no conflicts (2 of 4 stars). 2 submissions from 2 submitters: Uncertain significance (2). Last evaluated 2025-04-24.

Conditions:
Hereditary cancer-predisposing syndrome. Also called: Tumor predisposition; Hereditary neoplastic syndrome; Neoplastic Syndromes, Hereditary; Hereditary Cancer Syndrome. Identifiers: Orphanet 140162, MedGen C0027672, MeSH D009386, MONDO:0015356.
Familial adenomatous polyposis 1 (FAP1). Also called: FAMILIAL ADENOMATOUS POLYPOSIS 1, ATTENUATED; POLYPOSIS, ADENOMATOUS INTESTINAL. Identifiers: MedGen C2713442, MONDO:0021056, OMIM 175100. Disease mechanism: loss of function.

Submissions (2):

Labcorp Genetics (formerly Invitae), Labcorp
Classification: Uncertain significance for Familial adenomatous polyposis 1. Last evaluated: 2025-04-24. Review status: criteria provided, single submitter. Criteria: Invitae Variant Classification Sherloc (09022015). Collection method: clinical testing. Allele origin: germline.
Comment: This sequence change replaces alanine, which is neutral and non-polar, with valine, which is neutral and non-polar, at codon 2313 of the APC protein (p.Ala2313Val). This variant is not present in population databases (gnomAD no frequency). This variant has not been reported in the literature in individuals affected with APC-related conditions. ClinVar contains an entry for this variant (Variation ID: 1358416). Invitae Evidence Modeling of protein sequence and biophysical properties (such as structural, functional, and spatial information, amino acid conservation, physicochemical variation, residue mobility, and thermodynamic stability) indicates that this missense variant is not expected to disrupt APC protein function with a negative predictive value of 95%. In summary, the available evidence is currently insufficient to determine the role of this variant in disease. Therefore, it has been classified as a Variant of Uncertain Significance.

Ambry Genetics
Classification: Uncertain significance for Hereditary cancer-predisposing syndrome. Last evaluated: 2024-12-18. Review status: criteria provided, single submitter. Criteria: Ambry Variant Classification Scheme 2023. Collection method: clinical testing. Allele origin: germline.
Comment: The p.A2313V variant (also known as c.6938C>T), located in coding exon 15 of the APC gene, results from a C to T substitution at nucleotide position 6938. The alanine at codon 2313 is replaced by valine, an amino acid with similar properties. This amino acid position is conserved. In addition, in silico predictors for this gene do not accurately predict pathogenicity. Based on the available evidence, the clinical significance of this variant remains unclear.

NM_000038.6(APC):c.6938C>T (p.Ala2313Val)

Gene: APC (APC regulator of Wnt signaling pathway; plus strand). Cytogenetic location: 5q22.2.
Variant type: single nucleotide variant.
Coding change: c.6938C>T on transcript NM_000038.6 (MANE Select); coding-DNA position 6938, C replaced by T.
Protein change: p.Ala2313Val; replaces alanine 2313 with valine.
Molecular consequence: missense variant.
Genome position (GRCh38, 1-based): chr5:112,842,532, C>T. VCF-style: chr5-112842532-C-T. GRCh37 (hg19) VCF-style: chr5-112178229-C-T.
Other names: c.6938C>T, p.Ala2313Val (NM_001127510.3, NM_001354895.2); c.6884C>T, p.Ala2295Val (NM_001127511.3); c.6992C>T, p.Ala2331Val (NM_001354896.2); c.6968C>T, p.Ala2323Val (NM_001354897.2); c.6863C>T, p.Ala2288Val (NM_001354898.2); c.6854C>T, p.Ala2285Val (NM_001354899.2); c.6815C>T, p.Ala2272Val (NM_001354900.2); c.6761C>T, p.Ala2254Val (NM_001354901.2); and 6 more; short protein forms A2187V, A2212V, A2285V, A2323V, A2272V, A2295V, A2313V, A2222V.
Identifiers: ClinVar variation 1358416 (VCV001358416.9), dbSNP rs2149976714, ClinGen allele CA16036464.
Genomic context (GRCh38, chr5:112,842,532, plus strand): 5'-GTGGGTCAAGTAAAGCACCTTCTAGATCAGGATCTAGAGATTCGACCCCTTCAAGACCTG[C>T]CCAGCAACCATTAAGTAGACCTATACAGTCTCCTGGCCGAAACTCAATTTCCCCTGGTAG-3'
Protein context (NP_000029.2, residues 2303-2323): GSRDSTPSRP[Ala2313Val]QQPLSRPIQS